The following is an entry in ClinVar:

NM_006859.4(LIAS):c.367_389dup (p.Leu132fs)

Gene: LIAS (lipoic acid synthetase; plus strand). Cytogenetic location: 4p14.
Variant type: Duplication.
Coding change: c.367_389dup on transcript NM_006859.4 (MANE Select); coding-DNA positions 367 to 389, 23 bases duplicated (TATGCCACCGCCACAGCCACGAT).
Protein change: p.Leu132fs; shifts the reading frame from leucine 132.
Molecular consequence: frameshift variant.
Genome position (GRCh38, 1-based): chr4:39,463,579-39,463,601, TATGCCACCGCCACAGCCACGAT duplicated. VCF-style (leftmost placement, unchanged base first): chr4-39463578-A-ATATGCCACCGCCACAGCCACGAT. GRCh37 (hg19) VCF-style: chr4-39465198-A-ATATGCCACCGCCACAGCCACGAT.
Other names: c.367_389dup, p.Leu132fs (NM_001278590.2, NM_194451.3); c.367_389dup, p.Val132fs (NM_001278591.2); c.273_295dup, p.Ser99fs (NM_001278592.2, NM_001363700.2); short protein forms S99fs, V132fs, L132fs.
Identifiers: ClinVar variation 2850745 (VCV002850745.3), dbSNP rs2474996811, ClinGen allele CA2670379784.

ClinVar aggregate classification (germline): Pathogenic (1 of 4 stars; one submission).

Conditions:
Lipoic acid synthetase deficiency. Also called: HYPERGLYCINEMIA, LACTIC ACIDOSIS, AND SEIZURES. Identifiers: Orphanet 401859, MedGen C3280887, MONDO:0013762, OMIM 614462.

Allele frequency attached by ClinVar (database versions not stated): gnomAD exomes below 0.00001.

Submission:

Labcorp Genetics (formerly Invitae), Labcorp
Classification: Pathogenic for Lipoic acid synthetase deficiency. Last evaluated: 2023-03-29. Review status: criteria provided, single submitter. Criteria: Invitae Variant Classification Sherloc (09022015). Collection method: clinical testing. Allele origin: germline.
Comment: This sequence change creates a premature translational stop signal (p.Leu132Profs*9) in the LIAS gene. It is expected to result in an absent or disrupted protein product. Loss-of-function variants in LIAS are known to be pathogenic (PMID: 24334290, 27923773). This variant is not present in population databases (gnomAD no frequency). For these reasons, this variant has been classified as Pathogenic. This variant has not been reported in the literature in individuals affected with LIAS-related conditions.

Literature cited by the submitters: PubMed 24334290; PubMed 27923773.